The following is an entry in ClinVar:

ClinVar aggregate classification (germline): Uncertain significance (1 of 4 stars; one submission).

gnomAD v4.1: 7 of 1,608,840 alleles (0.00044%); highest among the groups gnomAD compares: South Asian, 0.0055%; no homozygotes.

Submission:

Dasa
Classification: Uncertain significance. Last evaluated: 2025-01-27. Review status: criteria provided, single submitter. Criteria: DASA Assertion Criteria. Collection method: clinical testing. Allele origin: germline.
Comment: NM_001184.4(ATR):c.1746T>G (p.Phe582Leu) is a missense variant that results in the substitution of phenylalanine with leucine. This variant is rare in population databases. Computational prediction algorithms are consistent with a benign effect. The currently available literature and clinical evidence are not sufficient to establish a definitive association between this variant and the reported condition. Therefore, this variant is classified as a variant of uncertain significance.

NM_001184.4(ATR):c.1746T>G (p.Phe582Leu)

Gene: ATR (ATR checkpoint kinase; minus strand). Cytogenetic location: 3q23.
Variant type: single nucleotide variant.
Coding change: c.1746T>G on transcript NM_001184.4 (MANE Select); coding-DNA position 1746, T replaced by G.
Protein change: p.Phe582Leu; replaces phenylalanine 582 with leucine.
Molecular consequence: missense variant.
Genome position (GRCh38, 1-based): chr3:142,558,763, A>C on the plus strand (T>G on the coding strand, the complement: ATR is on the minus strand). VCF-style: chr3-142558763-A-C. GRCh37 (hg19) VCF-style: chr3-142277605-A-C.
Other names: c.1554T>G, p.Phe518Leu (NM_001354579.2); short protein forms F518L, F582L.
Identifiers: ClinVar variation 4885414 (VCV004885414.2).